The following is an entry in ClinVar:

NM_012203.2(GRHPR):c.656C>T (p.Thr219Ile)

Gene: GRHPR (glyoxylate and hydroxypyruvate reductase; plus strand). Cytogenetic location: 9p13.2.
Variant type: single nucleotide variant.
Coding change: c.656C>T on transcript NM_012203.2 (MANE Select); coding-DNA position 656, C replaced by T.
Protein change: p.Thr219Ile; replaces threonine 219 with isoleucine.
Molecular consequence: missense variant.
Genome position (GRCh38, 1-based): chr9:37,430,568, C>T. VCF-style: chr9-37430568-C-T. GRCh37 (hg19) VCF-style: chr9-37430565-C-T.
Other names: short protein forms T219I.
Identifiers: ClinVar variation 2664104 (VCV002664104.1), dbSNP rs368512158, ClinGen allele CA5059167.
Genomic context (GRCh38, chr9:37,430,568, plus strand): 5'-CAGTGTCTACCCCTGAGCTGGCTGCCCAATCTGATTTCATCGTCGTGGCCTGCTCCTTAA[C>T]ACCTGCAACCGAGGGACTCTGCAACAAGGACTTCTTCCAGAAGATGAAGGAAACAGCTGT-3'
Protein context (NP_036335.1, residues 209-229): SDFIVVACSL[Thr219Ile]PATEGLCNKD

ClinVar aggregate classification (germline): Uncertain significance (1 of 4 stars; one submission).

Conditions:
Primary hyperoxaluria, type II (HP2). Also called: OXALOSIS II; Primary hyperoxaluria type 2; D-GLYCERATE DEHYDROGENASE DEFICIENCY; GLYCERIC ACIDURIA; GLYOXYLATE REDUCTASE/HYDROXYPYRUVATE REDUCTASE DEFICIENCY. Identifiers: Orphanet 416, Orphanet 93599, MedGen C0268165, MONDO:0009824, OMIM 260000. Disease mechanism: loss of function.

Allele frequency attached by ClinVar (database versions not stated): gnomAD exomes below 0.00001; ExAC 0.00001; gnomAD 0.00001; ESP Exome Variant Server 0.00008.
gnomAD v4.1: 2 of 1,613,364 alleles (0.00012%); highest among the groups gnomAD compares: African/African-American, 0.0027%; no homozygotes.

Submission:

Rare Kidney Stone Consortium and the Mayo Clinic Hyperoxaluria Center, Mayo Clinic
Classification: Uncertain significance for Primary hyperoxaluria, type II. Last evaluated: 2023-10-27. Review status: criteria provided, single submitter. Criteria: ACMG Guidelines, 2015. Collection method: curation. Allele origin: germline.
Comment: ACMG:PM1 PM2 PP3

Literature cited by the submitters: PubMed 25644115.